The following is an entry in ClinVar:

NM_004168.4(SDHA):c.954del (p.Ile319fs)

Gene: SDHA (succinate dehydrogenase complex flavoprotein subunit A; plus strand). Cytogenetic location: 5p15.33.
Variant type: Deletion.
Coding change: c.954del on transcript NM_004168.4 (MANE Select); coding-DNA position 954, one base deleted (C; older notation c.954delC).
Protein change: p.Ile319fs; shifts the reading frame from isoleucine 319.
Molecular consequence: frameshift variant.
Genome position (GRCh38, 1-based): chr5:233,535, C deleted. VCF-style (leftmost placement, unchanged base first): chr5-233534-TC-T. GRCh37 (hg19) VCF-style: chr5-233649-TC-T.
Other names: c.810del, p.Ile271fs (NM_001294332.2); c.954del, p.Ile319fs (NM_001330758.2); short protein forms I271fs, I319fs.
Identifiers: ClinVar variation 2951262 (VCV002951262.3), dbSNP rs2472996373, ClinGen allele CA2740091600.

ClinVar aggregate classification (germline): Pathogenic (1 of 4 stars; one submission).

Conditions:
Mitochondrial complex II deficiency, nuclear type 1. Also called: SUCCINATE CoQ REDUCTASE DEFICIENCY. Identifiers: Orphanet 3208, MedGen C5700310, MONDO:0100294, OMIM 252011.
Pheochromocytoma/paraganglioma syndrome 5. Also called: Paragangliomas 5; SDHA-Related Hereditary Paraganglioma-Pheochromocytoma Syndrome. Identifiers: Orphanet 29072, MedGen C3279992, MONDO:0013602, OMIM 614165.

Submission:

Labcorp Genetics (formerly Invitae), Labcorp
Classification: Pathogenic for Pheochromocytoma/paraganglioma syndrome 5; Mitochondrial complex II deficiency, nuclear type 1. Last evaluated: 2024-10-22. Review status: criteria provided, single submitter. Criteria: Invitae Variant Classification Sherloc (09022015). Collection method: clinical testing. Allele origin: germline.
Comment: This sequence change creates a premature translational stop signal (p.Ile319Leufs*29) in the SDHA gene. It is expected to result in an absent or disrupted protein product. Loss-of-function variants in SDHA are known to be pathogenic (PMID: 22974104, 24781757). This variant is not present in population databases (gnomAD no frequency). This variant has not been reported in the literature in individuals affected with SDHA-related conditions. For these reasons, this variant has been classified as Pathogenic.

Literature cited by the submitters: PubMed 22974104; PubMed 24781757.